The following is an entry in ClinVar:

ClinVar aggregate classification (germline): Uncertain significance (1 of 4 stars; one submission).

Allele frequency attached by ClinVar (database versions not stated): gnomAD 0.00001; TOPMed 0.00001; gnomAD exomes 0.00002; ExAC 0.00003; ESP Exome Variant Server 0.00015.
gnomAD v4.1: 27 of 1,612,426 alleles (0.0017%); highest among the groups gnomAD compares: Non-Finnish European, 0.0022%; no homozygotes.

Submission:

Labcorp Genetics (formerly Invitae), Labcorp
Classification: Uncertain significance. Last evaluated: 2022-07-18. Review status: criteria provided, single submitter. Criteria: Invitae Variant Classification Sherloc (09022015). Collection method: clinical testing. Allele origin: germline.
Comment: This sequence change replaces tyrosine, which is neutral and polar, with cysteine, which is neutral and slightly polar, at codon 682 of the SLC26A3 protein (p.Tyr682Cys). This variant is present in population databases (rs370006510, gnomAD 0.004%). This variant has not been reported in the literature in individuals affected with SLC26A3-related conditions. ClinVar contains an entry for this variant (Variation ID: 1484442). Advanced modeling of protein sequence and biophysical properties (such as structural, functional, and spatial information, amino acid conservation, physicochemical variation, residue mobility, and thermodynamic stability) performed at Invitae indicates that this missense variant is expected to disrupt SLC26A3 protein function. In summary, the available evidence is currently insufficient to determine the role of this variant in disease. Therefore, it has been classified as a Variant of Uncertain Significance.

NM_000111.3(SLC26A3):c.2045A>G (p.Tyr682Cys)

Gene: SLC26A3 (solute carrier family 26 member 3; minus strand). Cytogenetic location: 7q22.3.
Variant type: single nucleotide variant.
Coding change: c.2045A>G on transcript NM_000111.3 (MANE Select); coding-DNA position 2045, A replaced by G.
Protein change: p.Tyr682Cys; replaces tyrosine 682 with cysteine.
Molecular consequence: missense variant.
Genome position (GRCh38, 1-based): chr7:107,772,071, T>C on the plus strand (A>G on the coding strand, the complement: SLC26A3 is on the minus strand). VCF-style: chr7-107772071-T-C. GRCh37 (hg19) VCF-style: chr7-107412516-T-C.
Other names: short protein forms Y682C.
Identifiers: ClinVar variation 1484442 (VCV001484442.5), dbSNP rs370006510, ClinGen allele CA4433618.